The following is an entry in ClinVar:

ClinVar aggregate classification (germline): Uncertain significance (1 of 4 stars; one submission).

Submission:

Ambry Genetics
Classification: Uncertain significance. Last evaluated: 2026-09-08. Review status: criteria provided, single submitter. Criteria: Ambry Variant Classification Scheme 2023. Collection method: clinical testing. Allele origin: germline.
Comment: The p.Y20F variant (also known as c.59A>T), located in coding exon 1 of the EGLN1 gene, results from an A to T substitution at nucleotide position 59. The tyrosine at codon 20 is replaced by phenylalanine, an amino acid with highly similar properties. This amino acid position is conserved. In addition, the in silico prediction for this alteration is inconclusive. Based on the available evidence, the clinical significance of this variant remains unclear.

NM_022051.3(EGLN1):c.59A>T (p.Tyr20Phe)

Gene: EGLN1 (egl-9 family hypoxia inducible factor 1; minus strand). Cytogenetic location: 1q42.2.
Variant type: single nucleotide variant.
Coding change: c.59A>T on transcript NM_022051.3 (MANE Select); coding-DNA position 59, A replaced by T.
Protein change: p.Tyr20Phe; replaces tyrosine 20 with phenylalanine.
Molecular consequence: missense variant.
Genome position (GRCh38, 1-based): chr1:231,421,830, T>A on the plus strand (A>T on the coding strand, the complement: EGLN1 is on the minus strand). VCF-style: chr1-231421830-T-A. GRCh37 (hg19) VCF-style: chr1-231557576-T-A.
Other names: c.59A>T, p.Tyr20Phe (NM_001377260.1, NM_001377261.1); short protein forms Y20F.
Identifiers: ClinVar variation 5035863 (VCV005035863.1).